The following is an entry in ClinVar:

NM_001129.5(AEBP1):c.37C>T (p.Leu13Phe)

Gene: AEBP1 (AE binding protein 1; plus strand). Cytogenetic location: 7p13.
Variant type: single nucleotide variant.
Coding change: c.37C>T on transcript NM_001129.5 (MANE Select); coding-DNA position 37, C replaced by T.
Protein change: p.Leu13Phe; replaces leucine 13 with phenylalanine.
Molecular consequence: missense variant.
Genome position (GRCh38, 1-based): chr7:44,104,702, C>T. VCF-style: chr7-44104702-C-T. GRCh37 (hg19) VCF-style: chr7-44144301-C-T.
Other names: c.37C>T (NM_001129.4); short protein forms L13F.
Identifiers: ClinVar variation 1482894 (VCV001482894.8), dbSNP rs545702407, ClinGen allele CA4237404.

ClinVar aggregate classification (germline): Uncertain significance. Review status: criteria provided, multiple submitters, no conflicts (2 of 4 stars). 3 submissions from 3 submitters: Uncertain significance (3). Last evaluated 2025-12-03.

Allele frequency attached by ClinVar (database versions not stated): gnomAD exomes 0.00003 and 0.00007; ExAC 0.00017; 1000 Genomes Project 30x 0.00031; gnomAD 0.00034; TOPMed 0.00035; 1000 Genomes Project 0.00040.
gnomAD v4.1: 101 of 1,605,110 alleles (0.0063%); highest among the groups gnomAD compares: African/African-American, 0.12%; 1 homozygote.

Submissions (3):

Women's Health and Genetics/Laboratory Corporation of America, LabCorp
Classification: Uncertain significance. Last evaluated: 2025-12-03. Review status: criteria provided, single submitter. Criteria: LabCorp Variant Classification Summary - May 2015. Collection method: clinical testing. Allele origin: germline.
Comment: Variant summary: AEBP1 c.37C>T (p.Leu13Phe) results in a non-conservative amino acid change in the encoded protein sequence. Algorithms developed to predict the effect of missense changes on protein structure and function are either unavailable or do not agree on the potential impact of this missense change. The variant allele was found at a frequency of 6.7e-05 in 224010 control chromosomes (gnomAD). This frequency is not significantly higher than estimated for disease-causing variants in AEBP1, allowing no conclusion about variant significance. To our knowledge, no occurrence of c.37C>T in individuals affected with AEBP1-related conditions and no experimental evidence demonstrating its impact on protein function have been reported. ClinVar contains an entry for this variant (Variation ID: 1482894). Based on the evidence outlined above, the variant was classified as uncertain significance.

Labcorp Genetics (formerly Invitae), Labcorp
Classification: Uncertain significance. Last evaluated: 2025-06-29. Review status: criteria provided, single submitter. Criteria: Invitae Variant Classification Sherloc (09022015). Collection method: clinical testing. Allele origin: germline.
Comment: This sequence change replaces leucine, which is neutral and non-polar, with phenylalanine, which is neutral and non-polar, at codon 13 of the AEBP1 protein (p.Leu13Phe). This variant is present in population databases (rs545702407, gnomAD 0.09%). This variant has not been reported in the literature in individuals affected with AEBP1-related conditions. ClinVar contains an entry for this variant (Variation ID: 1482894). Experimental studies and prediction algorithms are not available or were not evaluated, and the functional significance of this variant is currently unknown. In summary, the available evidence is currently insufficient to determine the role of this variant in disease. Therefore, it has been classified as a Variant of Uncertain Significance.

GeneDx
Classification: Uncertain significance. Last evaluated: 2024-06-03. Review status: criteria provided, single submitter. Criteria: GeneDx Variant Classification Process June 2021. Collection method: clinical testing. Allele origin: germline. Affected: yes.
Comment: In silico analysis supports that this missense variant does not alter protein structure/function; Has not been previously published as pathogenic or benign to our knowledge